The following is an entry in ClinVar:

NM_000384.3(APOB):c.8073A>G (p.Ile2691Met)

Gene: APOB (apolipoprotein B; minus strand). Cytogenetic location: 2p24.1.
Variant type: single nucleotide variant.
Coding change: c.8073A>G on transcript NM_000384.3 (MANE Select); coding-DNA position 8073, A replaced by G.
Protein change: p.Ile2691Met; replaces isoleucine 2691 with methionine.
Molecular consequence: missense variant.
Genome position (GRCh38, 1-based): chr2:21,008,795, T>C on the plus strand (A>G on the coding strand, the complement: APOB is on the minus strand). VCF-style: chr2-21008795-T-C. GRCh37 (hg19) VCF-style: chr2-21231667-T-C.
Other names: short protein forms I2691M.
Identifiers: ClinVar variation 3416333 (VCV003416333.1).
Genomic context (GRCh38, chr2:21,008,795, plus strand): 5'-GAAGTCTGGCAGGGTGATTCTCGCTAGAGGAATGTCCTCCACCTTCAGATCCCTGAGATA[T>C]ATATCTGGAACGGGCCACTGCAGCTCACTGTTCAGCATCTGGTCAATGGTTCTGATGATC-3'
Protein context (NP_000375.3, residues 2681-2701): NSELQWPVPD[Ile2691Met]YLRDLKVEDI

ClinVar aggregate classification (germline): Uncertain significance (1 of 4 stars; one submission).

Conditions:
Cardiovascular phenotype. Identifiers: MedGen CN230736.

gnomAD v4.1: 5 of 1,613,948 alleles (0.00031%); highest among the groups gnomAD compares: African/African-American, 0.0067%; no homozygotes.

Submission:

Ambry Genetics
Classification: Uncertain significance for Cardiovascular phenotype. Last evaluated: 2024-11-03. Review status: criteria provided, single submitter. Criteria: Ambry Variant Classification Scheme 2023. Collection method: clinical testing. Allele origin: germline.
Comment: The p.I2691M variant (also known as c.8073A>G), located in coding exon 26 of the APOB gene, results from an A to G substitution at nucleotide position 8073. The isoleucine at codon 2691 is replaced by methionine, an amino acid with highly similar properties. This amino acid position is conserved. In addition, this alteration is predicted to be tolerated by in silico analysis. Based on the available evidence, the clinical significance of this variant remains unclear.